The following is an entry in ClinVar:

ClinVar aggregate classification (germline): Likely pathogenic (1 of 4 stars; one submission).

Conditions:
Charcot-Marie-Tooth disease type 4. Also called: Charcot-Marie-Tooth, Type 4; Charcot-Marie-Tooth disease, type IV. Identifiers: Orphanet 64749, MedGen C4082197, MONDO:0018995.

Submission:

Labcorp Genetics (formerly Invitae), Labcorp
Classification: Likely pathogenic for Charcot-Marie-Tooth disease type 4. Last evaluated: 2023-12-22. Review status: criteria provided, single submitter. Criteria: Invitae Variant Classification Sherloc (09022015). Collection method: clinical testing. Allele origin: germline.
Comment: This sequence change affects an acceptor splice site in intron 29 of the SBF2 gene. It is expected to disrupt RNA splicing. Variants that disrupt the donor or acceptor splice site typically lead to a loss of protein function (PMID: 16199547), and loss-of-function variants in SBF2 are known to be pathogenic (PMID: 12687498, 25873783). This variant is not present in population databases (gnomAD no frequency). This variant has not been reported in the literature in individuals affected with SBF2-related conditions. Algorithms developed to predict the effect of sequence changes on RNA splicing suggest that this variant may disrupt the consensus splice site. In summary, the currently available evidence indicates that the variant is pathogenic, but additional data are needed to prove that conclusively. Therefore, this variant has been classified as Likely Pathogenic.

Literature cited by the submitters: PubMed 16199547; PubMed 12687498; PubMed 25873783.

NM_030962.4(SBF2):c.3979-2A>G

Gene: SBF2 (SET binding factor 2; minus strand). Cytogenetic location: 11p15.4.
Variant type: single nucleotide variant.
Coding change: c.3979-2A>G on transcript NM_030962.4 (MANE Select); the canonical splice acceptor site of the intron before coding-DNA position 3979, A replaced by G.
Molecular consequence: splice acceptor variant.
Genome position (GRCh38, 1-based): chr11:9,812,710, T>C on the plus strand (A>G on the coding strand, the complement: SBF2 is on the minus strand). VCF-style: chr11-9812710-T-C. GRCh37 (hg19) VCF-style: chr11-9834257-T-C.
Other names: c.4015-2A>G (NM_001424318.1); c.3850-2A>G (NM_001386342.1); c.4075-2A>G (NM_001386339.1).
Identifiers: ClinVar variation 2704939 (VCV002704939.3), dbSNP rs2494620013, ClinGen allele CA379643648.